The following is an entry in ClinVar:

ClinVar aggregate classification (germline): Uncertain significance (1 of 4 stars; one submission).

Allele frequency attached by ClinVar (database versions not stated): ExAC 0.00001; gnomAD exomes 0.00001.
gnomAD v4.1: 7 of 1,613,756 alleles (0.00043%); highest among the groups gnomAD compares: East Asian, 0.011%; no homozygotes.

Submission:

Ambry Genetics
Classification: Uncertain significance. Last evaluated: 2024-04-28. Review status: criteria provided, single submitter. Criteria: Ambry Variant Classification Scheme 2023. Collection method: clinical testing. Allele origin: germline.
Comment: The p.L1410V variant (also known as c.4228C>G), located in coding exon 16 of the POLQ gene, results from a C to G substitution at nucleotide position 4228. The leucine at codon 1410 is replaced by valine, an amino acid with highly similar properties. This amino acid position is conserved. In addition, this alteration is predicted to be tolerated by in silico analysis. Since supporting evidence is limited at this time, the clinical significance of this alteration remains unclear.

NM_199420.4(POLQ):c.4228C>G (p.Leu1410Val)

Gene: POLQ (DNA polymerase theta; minus strand). Cytogenetic location: 3q13.33.
Variant type: single nucleotide variant.
Coding change: c.4228C>G on transcript NM_199420.4 (MANE Select); coding-DNA position 4228, C replaced by G.
Protein change: p.Leu1410Val; replaces leucine 1410 with valine.
Molecular consequence: missense variant.
Genome position (GRCh38, 1-based): chr3:121,488,703, G>C on the plus strand (C>G on the coding strand, the complement: POLQ is on the minus strand). VCF-style: chr3-121488703-G-C. GRCh37 (hg19) VCF-style: chr3-121207550-G-C.
Other names: short protein forms L1410V.
Identifiers: ClinVar variation 1738871 (VCV001738871.3), dbSNP rs758532044, ClinGen allele CA2562934.